The following is an entry in ClinVar:

NM_021072.4(HCN1):c.1462C>A (p.Leu488Met)

Gene: HCN1 (hyperpolarization activated cyclic nucleotide gated potassium channel 1; minus strand). Cytogenetic location: 5p12.
Variant type: single nucleotide variant.
Coding change: c.1462C>A on transcript NM_021072.4 (MANE Select); coding-DNA position 1462, C replaced by A.
Protein change: p.Leu488Met; replaces leucine 488 with methionine.
Molecular consequence: missense variant.
Genome position (GRCh38, 1-based): chr5:45,303,755, G>T on the plus strand (C>A on the coding strand, the complement: HCN1 is on the minus strand). VCF-style: chr5-45303755-G-T. GRCh37 (hg19) VCF-style: chr5-45303857-G-T.
Other names: short protein forms L488M.
Identifiers: ClinVar variation 1062508 (VCV001062508.10), dbSNP rs2111905061, ClinGen allele CA359702672.
Genomic context (GRCh38, chr5:45,303,755, plus strand): 5'-CGGCTCCTTCTCGTATGATATAATCTCCAGGTTGAAACACCTCAAATCTCAACTTGCTCA[G>T]CATGGCAGTCACAAAATTAGGATCCGCATTAGCAAATAAAGGCATTGTAGCCACCAGTTT-3'
Protein context (NP_066550.2, residues 478-498): NADPNFVTAM[Leu488Met]SKLRFEVFQP

ClinVar aggregate classification (germline): Uncertain significance (1 of 4 stars; one submission).

Conditions:
Early-infantile DEE. Also called: Ohtahara syndrome; Early infantile epileptic encephalopathy with suppression bursts; Early infantile epileptic encephalopathy. Identifiers: Orphanet 1934, MedGen C0393706, MONDO:0800491.

Submission:

Labcorp Genetics (formerly Invitae), Labcorp
Classification: Uncertain significance for Early-infantile DEE. Last evaluated: 2023-08-10. Review status: criteria provided, single submitter. Criteria: Invitae Variant Classification Sherloc (09022015). Collection method: clinical testing. Allele origin: germline.
Comment: In summary, the available evidence is currently insufficient to determine the role of this variant in disease. Therefore, it has been classified as a Variant of Uncertain Significance. Advanced modeling of protein sequence and biophysical properties (such as structural, functional, and spatial information, amino acid conservation, physicochemical variation, residue mobility, and thermodynamic stability) has been performed at Invitae for this missense variant, however the output from this modeling did not meet the statistical confidence thresholds required to predict the impact of this variant on HCN1 protein function. ClinVar contains an entry for this variant (Variation ID: 1062508). This variant has not been reported in the literature in individuals affected with HCN1-related conditions. This variant is not present in population databases (gnomAD no frequency). This sequence change replaces leucine, which is neutral and non-polar, with methionine, which is neutral and non-polar, at codon 488 of the HCN1 protein (p.Leu488Met).